The following is an entry in ClinVar:

NM_018062.4(FANCL):c.1059CAT[1] (p.Ile355del)

Gene: FANCL (FA complementation group L; minus strand). Cytogenetic location: 2p16.1.
Variant type: Microsatellite.
Coding change: c.1059CAT[1] on transcript NM_018062.4 (MANE Select); one copy of the 3-base unit CAT starting at c.1059; the reference has two copies in a row; one copy, 3 bases deleted.
Protein change: p.Ile355del; deletes isoleucine 355.
Molecular consequence: non-coding transcript variant (on NR_156742.2).
Genome position (GRCh38, 1-based): chr2:58,160,136-58,160,138, ATG deleted on the plus strand (CAT on the coding strand, the reverse complement: FANCL is on the minus strand); deleting any 3 consecutive bases within chr2:58,160,136-58,160,141 gives the same sequence; the position shown is the placement nearest the transcript's 3' end. VCF-style (leftmost placement, unchanged base first): chr2-58160135-TATG-T. GRCh37 (hg19) VCF-style: chr2-58387270-TATG-T.
Other names: c.1074CAT[1], p.Ile360del (NM_001114636.2, NM_001438890.1); c.1104CAT[1], p.Ile370del (NM_001374615.1, NM_001438889.1); c.1119CAT[1], p.Ile375del (NM_001410792.1); c.1059CAT[1], p.Ile355del (NM_001438891.1); c.615CAT[1], p.Ile207del (NM_001438892.1); short protein forms I355del, I360del, I370del, I375del, I207del.
Identifiers: ClinVar variation 4797685 (VCV004797685.1).

ClinVar aggregate classification (germline): Uncertain significance (1 of 4 stars; one submission).

Conditions:
Fanconi anemia (FA). Also called: Fanconi's anemia. Identifiers: Orphanet 84, MedGen C0015625, MeSH D005199, MONDO:0019391.

Submission:

Labcorp Genetics (formerly Invitae), Labcorp
Classification: Uncertain significance for Fanconi anemia. Last evaluated: 2025-12-30. Review status: criteria provided, single submitter. Criteria: Invitae Variant Classification Sherloc (09022015). Collection method: clinical testing. Allele origin: germline.
Comment: This variant, c.1062_1064del, results in the deletion of 1 amino acid(s) of the FANCL protein (p.Ile355del), but otherwise preserves the integrity of the reading frame. This variant is not present in population databases (gnomAD no frequency). This variant has not been reported in the literature in individuals affected with FANCL-related conditions. Experimental studies and prediction algorithms are not available or were not evaluated, and the functional significance of this variant is currently unknown. In summary, the available evidence is currently insufficient to determine the role of this variant in disease. Therefore, it has been classified as a Variant of Uncertain Significance.